The following is an entry in ClinVar:

NM_001711.6(BGN):c.640C>T (p.Arg214Cys)

Gene: BGN (biglycan; plus strand). Cytogenetic location: Xq28.
Variant type: single nucleotide variant.
Coding change: c.640C>T on transcript NM_001711.6 (MANE Select); coding-DNA position 640, C replaced by T.
Protein change: p.Arg214Cys; replaces arginine 214 with cysteine.
Molecular consequence: missense variant.
Genome position (GRCh38, 1-based): chrX:153,506,603, C>T. VCF-style: chrX-153506603-C-T. GRCh37 (hg19) VCF-style: chrX-152772061-C-T.
Other names: c.640C>T (NM_001711.4); short protein forms R214C.
Identifiers: ClinVar variation 3366963 (VCV003366963.2).

ClinVar aggregate classification (germline): Uncertain significance. Review status: criteria provided, multiple submitters, no conflicts (2 of 4 stars). 2 submissions from 2 submitters: Uncertain significance (2). Last evaluated 2024-12-13.

Conditions:
X-linked spondyloepimetaphyseal dysplasia. Identifiers: Orphanet 93349, MedGen C1848097, MONDO:0010248, OMIM 300106.
Meester-Loeys syndrome. Also called: X-linked severe syndromic thoracic aortic aneurysm and dissection. Identifiers: Orphanet 622925, MedGen C4310811, MONDO:0010515, OMIM 300989.
Cardiovascular phenotype. Identifiers: MedGen CN230736.

gnomAD v4.1: 4 of 1,209,400 alleles (0.00033%); highest among the groups gnomAD compares: East Asian, 0.003%; no homozygotes.

Submissions (2):

Ambry Genetics
Classification: Uncertain significance for Cardiovascular phenotype. Last evaluated: 2024-12-13. Review status: criteria provided, single submitter. Criteria: Ambry Variant Classification Scheme 2023. Collection method: clinical testing. Allele origin: germline.
Comment: The p.R214C variant (also known as c.640C>T), located in coding exon 4 of the BGN gene, results from a C to T substitution at nucleotide position 640. The arginine at codon 214 is replaced by cysteine, an amino acid with highly dissimilar properties. Based on data from gnomAD, the T allele has an overall frequency of 0.0005% (1/183169) total alleles studied, with 0 hemizygote(s) observed. The highest observed frequency was 0.0072% (1/13851) of East Asian alleles. This amino acid position is well conserved in available vertebrate species. In addition, this alteration is predicted to be deleterious by in silico analysis. Based on the available evidence, the clinical significance of this variant remains unclear.

Institute of Immunology and Genetics Kaiserslautern
Classification: Uncertain significance for Meester-Loeys syndrome; X-linked spondyloepimetaphyseal dysplasia. Last evaluated: 2024-05-01. Review status: criteria provided, single submitter. Criteria: ACMG Guidelines, 2015. Collection method: clinical testing. Allele origin: maternal. Affected: yes.
Comment: ACMG Criteria: PM2, PP3, PP1_m; Variant found in a hemizygous state